The following is an entry in ClinVar:

NM_001376.5(DYNC1H1):c.13071C>T (p.Tyr4357=)

Gene: DYNC1H1 (dynein cytoplasmic 1 heavy chain 1; plus strand). Cytogenetic location: 14q32.31.
Variant type: single nucleotide variant.
Coding change: c.13071C>T on transcript NM_001376.5 (MANE Select); coding-DNA position 13071, C replaced by T.
Protein change: p.Tyr4357=; no amino-acid change (tyrosine 4357 retained).
Molecular consequence: synonymous variant.
Genome position (GRCh38, 1-based): chr14:102,047,881, C>T. VCF-style: chr14-102047881-C-T. GRCh37 (hg19) VCF-style: chr14-102514218-C-T.
Identifiers: ClinVar variation 590100 (VCV000590100.16), dbSNP rs763227557, ClinGen allele CA7354138.
Genomic context (GRCh38, chr14:102,047,881, plus strand): 5'-GGACATGATCAGTAAAATGCTGAAGATGCAGATGTTGGAGGATGAGGACGACCTGGCCTA[C>T]GCAGAGACTGAGAAGAAGACGAGGACAGACTCCACGTCCGACGGGCGCCCTGCCTGGATG-3'
Protein context (NP_001367.2, residues 4347-4367): QMLEDEDDLA[Tyr4357=]AETEKKTRTD

ClinVar aggregate classification (germline): Likely benign. Review status: criteria provided, multiple submitters, no conflicts (2 of 4 stars). 3 submissions from 3 submitters: Likely benign (3). Last evaluated 2026-03-19.

Conditions:
Charcot-Marie-Tooth disease axonal type 2O. Also called: CHARCOT-MARIE-TOOTH NEUROPATHY, AXONAL, TYPE 2O; CHARCOT-MARIE-TOOTH DISEASE, AXONAL, AUTOSOMAL DOMINANT, TYPE 2O; Charcot-Marie-Tooth disease, axonal, type 20; Charcot-Marie-Tooth Neuropathy Type 2O. Identifiers: Orphanet 284232, MedGen C3280220, MONDO:0013644, OMIM 614228.
DYNC1H1-related disorder. Also called: DYNC1H1-related condition; DYNC1H1-related disorders. Identifiers: MedGen CN381529.
Inborn genetic diseases. Identifiers: MedGen C0950123, MeSH D030342.

Allele frequency attached by ClinVar (database versions not stated): gnomAD 0.00002; TOPMed 0.00002; ExAC 0.00005; gnomAD exomes 0.00005 and 0.00007.
gnomAD v4.1: 78 of 1,613,498 alleles (0.0048%); highest among the groups gnomAD compares: South Asian, 0.041%; 1 homozygote.

Submissions (3):

PreventionGenetics, part of Exact Sciences
Classification: Likely benign for DYNC1H1-related condition. Last evaluated: 2026-03-19. Review status: criteria provided, single submitter. Criteria: ACMG Guidelines, 2015. Collection method: clinical testing. Allele origin: germline.
Comment: This variant is classified as likely benign based on ACMG/AMP sequence variant interpretation guidelines (Richards et al. 2015 PMID: 25741868, with internal and published modifications).

Labcorp Genetics (formerly Invitae), Labcorp
Classification: Likely benign for Charcot-Marie-Tooth disease axonal type 2O. Last evaluated: 2025-10-13. Review status: criteria provided, single submitter. Criteria: Invitae Variant Classification Sherloc (09022015). Collection method: clinical testing. Allele origin: germline.

Ambry Genetics
Classification: Likely benign for Inborn genetic diseases. Last evaluated: 2017-03-08. Review status: criteria provided, single submitter. Criteria: Ambry Variant Classification Scheme 2023. Collection method: clinical testing. Allele origin: germline.